The following is an entry in ClinVar:

NM_002519.3(NPAT):c.3044G>T (p.Gly1015Val)

Gene: NPAT (nuclear protein, coactivator of histone transcription; minus strand). Cytogenetic location: 11q22.3.
Variant type: single nucleotide variant.
Coding change: c.3044G>T on transcript NM_002519.3 (MANE Select); coding-DNA position 3044, G replaced by T.
Protein change: p.Gly1015Val; replaces glycine 1015 with valine.
Molecular consequence: missense variant.
Genome position (GRCh38, 1-based): chr11:108,162,147, C>A on the plus strand (G>T on the coding strand, the complement: NPAT is on the minus strand). VCF-style: chr11-108162147-C-A. GRCh37 (hg19) VCF-style: chr11-108032874-C-A.
Other names: c.3044G>T, p.Gly1015Val (NM_001321307.1); short protein forms G1015V.
Identifiers: ClinVar variation 1799188 (VCV001799188.3), dbSNP rs1370369253, ClinGen allele CA382511659.

ClinVar aggregate classification (germline): Uncertain significance (1 of 4 stars; one submission).

Allele frequency attached by ClinVar (database versions not stated): TOPMed below 0.00001; gnomAD 0.00001.
gnomAD v4.1: 1 of 1,613,892 alleles (0.000062%); highest among the groups gnomAD compares: Non-Finnish European, 0.000085%; no homozygotes.

Submission:

Ambry Genetics
Classification: Uncertain significance. Last evaluated: 2024-04-06. Review status: criteria provided, single submitter. Criteria: Ambry Variant Classification Scheme 2023. Collection method: clinical testing. Allele origin: germline.
Comment: The p.G1015V variant (also known as c.3044G>T), located in coding exon 16 of the NPAT gene, results from a G to T substitution at nucleotide position 3044. The glycine at codon 1015 is replaced by valine, an amino acid with dissimilar properties. This amino acid position is conserved. In addition, this alteration is predicted to be tolerated by in silico analysis. Since supporting evidence is limited at this time, the clinical significance of this alteration remains unclear.